The following is an entry in ClinVar:

NM_025114.4(CEP290):c.1646G>T (p.Arg549Leu)

Gene: CEP290 (centrosomal protein 290; minus strand). Cytogenetic location: 12q21.32.
Variant type: single nucleotide variant.
Coding change: c.1646G>T on transcript NM_025114.4 (MANE Select); coding-DNA position 1646, G replaced by T.
Protein change: p.Arg549Leu; replaces arginine 549 with leucine.
Molecular consequence: missense variant.
Genome position (GRCh38, 1-based): chr12:88,118,548, C>A on the plus strand (G>T on the coding strand, the complement: CEP290 is on the minus strand). VCF-style: chr12-88118548-C-A. GRCh37 (hg19) VCF-style: chr12-88512325-C-A.
Other names: short protein forms R549L.
Identifiers: ClinVar variation 2418023 (VCV002418023.4), dbSNP rs774824252, ClinGen allele CA385978991.
Genomic context (GRCh38, chr12:88,118,548, plus strand): 5'-GTTGCACTTCTTTTTCCTCTTTCTTGAGCCATTTGACGAATTTTTTTTTTCAGATCAAGT[C>A]GTTCTTCCTCTAGACTTTCAATCTGCAAAGTATAAATTATTAGTATTTCTCTATAGTTCA-3'
Protein context (NP_079390.3, residues 539-559): LKEIESLEEE[Arg549Leu]LDLKKKIRQM

ClinVar aggregate classification (germline): Uncertain significance (1 of 4 stars; one submission).

Conditions:
Joubert syndrome. Also called: CEREBELLOPARENCHYMAL DISORDER IV; JOUBERT-BOLTSHAUSER SYNDROME; Familial aplasia of the vermis. Identifiers: Orphanet 475, MedGen C5979921, MONDO:0018772.
Nephronophthisis. Also called: Juvenile Nephronophthisis. Identifiers: Orphanet 655, MedGen C0687120, MONDO:0019005, HP:0000090.
Meckel-Gruber syndrome. Also called: DYSENCEPHALIA SPLANCHNOCYSTICA; GRUBER SYNDROME; Dysencephalia splachnocystica. Identifiers: Orphanet 564, MedGen C0265215, MONDO:0018921.

gnomAD v4.1: 2 of 1,587,308 alleles (0.00013%); highest among the groups gnomAD compares: Admixed American, 0.0018%; no homozygotes.

Submission:

Labcorp Genetics (formerly Invitae), Labcorp
Classification: Uncertain significance for Joubert syndrome; Meckel-Gruber syndrome; Nephronophthisis. Last evaluated: 2025-02-17. Review status: criteria provided, single submitter. Criteria: Invitae Variant Classification Sherloc (09022015). Collection method: clinical testing. Allele origin: germline.
Comment: This sequence change replaces arginine, which is basic and polar, with leucine, which is neutral and non-polar, at codon 549 of the CEP290 protein (p.Arg549Leu). This variant is not present in population databases (gnomAD no frequency). This variant has not been reported in the literature in individuals affected with CEP290-related conditions. ClinVar contains an entry for this variant (Variation ID: 2418023). Invitae Evidence Modeling of protein sequence and biophysical properties (such as structural, functional, and spatial information, amino acid conservation, physicochemical variation, residue mobility, and thermodynamic stability) indicates that this missense variant is expected to disrupt CEP290 protein function with a positive predictive value of 80%. In summary, the available evidence is currently insufficient to determine the role of this variant in disease. Therefore, it has been classified as a Variant of Uncertain Significance.